The following is an entry in ClinVar:

ClinVar aggregate classification (germline): Likely benign. Review status: criteria provided, multiple submitters, no conflicts (2 of 4 stars). 2 submissions from 2 submitters: Likely benign (2). Last evaluated 2024-04-16.

Conditions:
Hypertrophic cardiomyopathy. Also called: HYPERTROPHIC MYOCARDIOPATHY. Identifiers: Orphanet 217569, MedGen C0007194, MeSH D002312, MONDO:0005045, HP:0001639.

Allele frequency attached by ClinVar (database versions not stated): gnomAD exomes below 0.00001.
gnomAD v4.1: 2 of 1,564,568 alleles (0.00013%); highest among the groups gnomAD compares: East Asian, 0.0048%; no homozygotes.

Submissions (2):

All of Us Research Program, National Institutes of Health
Classification: Likely benign for Hypertrophic cardiomyopathy. Last evaluated: 2024-04-16. Review status: criteria provided, single submitter. Criteria: ACMG Guidelines, 2015. Collection method: clinical testing. Allele origin: germline. Inheritance: Autosomal dominant inheritance. Observed: 1 variant allele, 1 heterozygote.
Comment: This study involves interpretation of variants in research participants for the purpose of population health screening. Participant phenotype was not available at the time of variant classification. Additional details can be found in publication PMID: 35346344, PMCID: PMC8962531

Labcorp Genetics (formerly Invitae), Labcorp
Classification: Likely benign for Hypertrophic cardiomyopathy. Last evaluated: 2017-10-06. Review status: criteria provided, single submitter. Criteria: Invitae Variant Classification Sherloc (09022015). Collection method: clinical testing. Allele origin: germline.

NM_000256.3(MYBPC3):c.465C>T (p.Gly155=)

Gene: MYBPC3 (myosin binding protein C3; minus strand). Cytogenetic location: 11p11.2.
Variant type: single nucleotide variant.
Coding change: c.465C>T on transcript NM_000256.3 (MANE Select); coding-DNA position 465, C replaced by T.
Protein change: p.Gly155=; no amino-acid change (glycine 155 retained).
Molecular consequence: synonymous variant.
Genome position (GRCh38, 1-based): chr11:47,350,054, G>A on the plus strand (C>T on the coding strand, the complement: MYBPC3 is on the minus strand). VCF-style: chr11-47350054-G-A. GRCh37 (hg19) VCF-style: chr11-47371605-G-A.
Other names: c.465C>T, p.Gly155= (LRG_386t1).
Identifiers: ClinVar variation 525080 (VCV000525080.5), dbSNP rs1381779840, ClinGen allele CA474221798.